The following is an entry in ClinVar:

ClinVar aggregate classification (somatic clinical impact): Tier I - Strong (1 of 4 stars; one submission).

Conditions:
Diffuse midline glioma, H3 K27M-mutant. Identifiers: MedGen C4289688, MONDO:0957196.

Submission:

Institute for Genomic Medicine (IGM) Clinical Laboratory, Nationwide Children's Hospital
Classification: Tier I - Strong for Diffuse midline glioma, H3 K27M-mutant. Assertion type: diagnostic. Clinical significance: supports diagnosis. Last evaluated: 2022-11-09. Review status: criteria provided, single submitter. Criteria: AMP/ASCO/CAP Guidelines, 2017. Collection method: clinical testing. Allele origin: somatic. Affected: yes.
Comment: Variant has Tier I (strong) clinical significance as a diagnostic inclusion criterion in diffuse midline glioma, H3 K27M-mutant, based on the following evidence: 1) Documented in one or more cancer databases (e.g., St. Jude Pecan, COSMIC, CIViC, OncoKB). 2) Appears in one or more well-established professional guidelines (e.g., World Health Organization [WHO]; National Comprehensive Cancer Network [NCCN]) as providing diagnostic, prognostic, or therapeutic information. 3) Diagnostic for a specific tumor type/classification based on well-powered studies with expert-level consensus (Evidence Level B; PMIDs: 31348837, 24880341, 28912153, 25230881, 28966033).

Literature cited by the submitters: PubMed 31348837; PubMed 24880341; PubMed 28912153; PubMed 25230881; PubMed 28966033.

NM_023110.3(FGFR1):c.1636A>G (p.Asn546Asp)

Gene: FGFR1 (fibroblast growth factor receptor 1; minus strand). Cytogenetic location: 8p11.23.
Variant type: single nucleotide variant.
Coding change: c.1636A>G on transcript NM_023110.3 (MANE Select); coding-DNA position 1636, A replaced by G.
Protein change: p.Asn546Asp; replaces asparagine 546 with aspartic acid.
Molecular consequence: missense variant.
Genome position (GRCh38, 1-based): chr8:38,417,333, T>C on the plus strand (A>G on the coding strand, the complement: FGFR1 is on the minus strand). VCF-style: chr8-38417333-T-C. GRCh37 (hg19) VCF-style: chr8-38274851-T-C.
Other names: c.1630A>G, p.Asn544Asp (NM_001174063.2, NM_001174065.2, NM_001354367.2 and 1 more transcripts); c.1606A>G, p.Asn536Asp (NM_001174064.2); c.1369A>G, p.Asn457Asp (NM_001174066.2, NM_023105.3); c.1729A>G, p.Asn577Asp (NM_001174067.2); c.1357A>G, p.Asn453Asp (NM_001354368.2); c.1624A>G, p.Asn542Asp (NM_001354369.2); c.1363A>G, p.Asn455Asp (NM_001354370.2, NM_023106.3); short protein forms N546D, N544D, N455D, N453D, N457D, N536D, N577D, N542D.
Identifiers: ClinVar variation 4530547 (VCV004530547.1), dbSNP rs1057519898.